The following is an entry in ClinVar:

ClinVar aggregate classification (germline): Uncertain significance (1 of 4 stars; one submission).

Submission:

Labcorp Genetics (formerly Invitae), Labcorp
Classification: Uncertain significance. Last evaluated: 2023-03-16. Review status: criteria provided, single submitter. Criteria: Invitae Variant Classification Sherloc (09022015). Collection method: clinical testing. Allele origin: germline.
Comment: In summary, the available evidence is currently insufficient to determine the role of this variant in disease. Therefore, it has been classified as a Variant of Uncertain Significance. Variants that disrupt the consensus splice site are a relatively common cause of aberrant splicing (PMID: 17576681, 9536098). Algorithms developed to predict the effect of sequence changes on RNA splicing suggest that this variant is not likely to affect RNA splicing. This variant has not been reported in the literature in individuals affected with GPIHBP1-related conditions. The frequency data for this variant in the population databases is considered unreliable, as metrics indicate poor data quality at this position in the gnomAD database. This sequence change falls in intron 1 of the GPIHBP1 gene. It does not directly change the encoded amino acid sequence of the GPIHBP1 protein. It affects a nucleotide within the consensus splice site.

Literature cited by the submitters: PubMed 17576681; PubMed 9536098.

NM_178172.6(GPIHBP1):c.52+4C>A

Gene: GPIHBP1 (glycosylphosphatidylinositol anchored high density lipoprotein binding protein 1; plus strand). Cytogenetic location: 8q24.3.
Variant type: single nucleotide variant.
Coding change: c.52+4C>A on transcript NM_178172.6 (MANE Select); 4 bases into the intron after coding-DNA position 52, C replaced by A.
Molecular consequence: intron variant.
Genome position (GRCh38, 1-based): chr8:143,213,323, C>A. VCF-style: chr8-143213323-C-A. GRCh37 (hg19) VCF-style: chr8-144295198-C-A.
Other names: c.52+4C>A (NM_001301772.2).
Identifiers: ClinVar variation 2908274 (VCV002908274.3), dbSNP rs376692113, ClinGen allele CA4906996.